The following is an entry in ClinVar:

ClinVar aggregate classification (germline): Uncertain significance. Review status: criteria provided, multiple submitters, no conflicts (2 of 4 stars). 3 submissions from 3 submitters: Uncertain significance (3). Last evaluated 2025-03-28.

Conditions:
Familial cancer of breast. Also called: BREAST CANCER, FAMILIAL; hereditary breast carcinoma; Hereditary breast cancer. Identifiers: Orphanet 227535, MedGen C0346153, MONDO:0016419, OMIM 114480. Disease mechanism: loss of function.
Hereditary cancer-predisposing syndrome. Also called: Neoplastic Syndromes, Hereditary; Tumor predisposition; Hereditary Cancer Syndrome; Hereditary neoplastic syndrome. Identifiers: Orphanet 140162, MedGen C0027672, MeSH D009386, MONDO:0015356.

Allele frequency attached by ClinVar (database versions not stated): TOPMed below 0.00001.

Submissions (3):

Ambry Genetics
Classification: Uncertain significance for Hereditary cancer-predisposing syndrome. Last evaluated: 2025-03-28. Review status: criteria provided, single submitter. Criteria: Ambry Variant Classification Scheme 2023. Collection method: clinical testing. Allele origin: germline.
Comment: The p.I299S variant (also known as c.896T>G), located in coding exon 7 of the CHEK2 gene, results from a T to G substitution at nucleotide position 896. The isoleucine at codon 299 is replaced by serine, an amino acid with dissimilar properties. This amino acid position is highly conserved in available vertebrate species. In addition, this alteration is predicted to be deleterious by in silico analysis. Based on the available evidence, the clinical significance of this variant remains unclear.

Labcorp Genetics (formerly Invitae), Labcorp
Classification: Uncertain significance for Familial cancer of breast. Last evaluated: 2024-10-15. Review status: criteria provided, single submitter. Criteria: Invitae Variant Classification Sherloc (09022015). Collection method: clinical testing. Allele origin: germline.
Comment: This sequence change replaces isoleucine, which is neutral and non-polar, with serine, which is neutral and polar, at codon 299 of the CHEK2 protein (p.Ile299Ser). This variant is not present in population databases (gnomAD no frequency). This variant has not been reported in the literature in individuals affected with CHEK2-related conditions. ClinVar contains an entry for this variant (Variation ID: 232610). An algorithm developed to predict the effect of missense changes on protein structure and function (PolyPhen-2) suggests that this variant is likely to be disruptive. In summary, the available evidence is currently insufficient to determine the role of this variant in disease. Therefore, it has been classified as a Variant of Uncertain Significance.

Quest Diagnostics Nichols Institute San Juan Capistrano
Classification: Uncertain significance. Last evaluated: 2020-01-14. Review status: criteria provided, single submitter. Criteria: Quest Diagnostics criteria. Collection method: clinical testing. Allele origin: unknown.

Literature cited by the submitters: PubMed 27720647 (cited by Quest Diagnostics Nichols Institute San Juan Capistrano).

NM_007194.4(CHEK2):c.896T>G (p.Ile299Ser)

Gene: CHEK2 (checkpoint kinase 2; minus strand). Cytogenetic location: 22q12.1.
Variant type: single nucleotide variant.
Coding change: c.896T>G on transcript NM_007194.4 (MANE Select); coding-DNA position 896, T replaced by G.
Protein change: p.Ile299Ser; replaces isoleucine 299 with serine.
Molecular consequence: missense variant.
Genome position (GRCh38, 1-based): chr22:28,703,517, A>C on the plus strand (T>G on the coding strand, the complement: CHEK2 is on the minus strand). VCF-style: chr22-28703517-A-C. GRCh37 (hg19) VCF-style: chr22-29099505-A-C.
Other names: c.1025T>G, p.Ile342Ser (NM_001005735.3); c.233T>G, p.Ile78Ser (NM_001257387.3); c.695T>G, p.Ile232Ser (NM_001349956.3); c.896T>G, p.Ile299Ser (NM_145862.3); short protein forms I299S, I232S, I342S, I78S.
Identifiers: ClinVar variation 232610 (VCV000232610.17), dbSNP rs876659870, ClinGen allele CA10581065.